The following is an entry in ClinVar:

NM_001267550.2(TTN):c.53008C>A (p.Pro17670Thr)

Genes: TTN (titin; minus strand), TTN-AS1 (TTN antisense RNA 1; plus strand), LOC126806425 (BRD4-independent group 4 enhancer GRCh37_chr2:179471933-179473132; plus strand). Cytogenetic location: 2q31.2.
Variant type: single nucleotide variant.
Coding change: c.53008C>A on transcript NM_001267550.2 (MANE Select); coding-DNA position 53008, C replaced by A.
Protein change: p.Pro17670Thr; replaces proline 17670 with threonine.
Molecular consequence: missense variant.
Genome position (GRCh38, 1-based): chr2:178,607,680, G>T on the plus strand (C>A on the coding strand, the complement: TTN is on the minus strand). VCF-style: chr2-178607680-G-T. GRCh37 (hg19) VCF-style: chr2-179472407-G-T.
Other names: c.48085C>A, p.Pro16029Thr (NM_001256850.1); c.25813C>A, p.Pro8605Thr (NM_003319.4); c.45304C>A, p.Pro15102Thr (NM_133378.4); c.26188C>A, p.Pro8730Thr (NM_133432.3); c.26389C>A, p.Pro8797Thr (NM_133437.4); short protein forms P15102T, P16029T, P17670T, P8605T, P8730T, P8797T.
Identifiers: ClinVar variation 4820377 (VCV004820377.1).

ClinVar aggregate classification (germline): Likely benign (1 of 4 stars; one submission).

gnomAD v4.1: 3 of 1,612,746 alleles (0.00019%); highest among the groups gnomAD compares: Non-Finnish European, 0.00025%; no homozygotes.

Submission:

Molecular Diagnostic Laboratory for Inherited Cardiovascular Disease, Montreal Heart Institute
Classification: Likely benign. Last evaluated: 2026-03-27. Review status: criteria provided, single submitter. Criteria: ACMG Guidelines, 2015. Collection method: clinical testing. Allele origin: germline. Affected: no.
Comment: BP1